The following is an entry in ClinVar:

ClinVar aggregate classification (germline): Uncertain significance (1 of 4 stars; one submission).

Conditions:
Inborn genetic diseases. Identifiers: MedGen C0950123, MeSH D030342.

Submission:

Ambry Genetics
Classification: Uncertain significance for Inborn genetic diseases. Last evaluated: 2025-08-23. Review status: criteria provided, single submitter. Criteria: Ambry Variant Classification Scheme 2023. Collection method: clinical testing. Allele origin: germline.
Comment: The p.R597G variant (also known as c.1789C>G), located in coding exon 12 of the BMPR2 gene, results from a C to G substitution at nucleotide position 1789. The arginine at codon 597 is replaced by glycine, an amino acid with dissimilar properties. This amino acid position is conserved. In addition, this alteration is predicted to be deleterious by in silico analysis. Based on the available evidence, the clinical significance of this variant remains unclear.

NM_001204.7(BMPR2):c.1789C>G (p.Arg597Gly)

Gene: BMPR2 (bone morphogenetic protein receptor type 2; plus strand). Cytogenetic location: 2q33.2.
Variant type: single nucleotide variant.
Coding change: c.1789C>G on transcript NM_001204.7 (MANE Select); coding-DNA position 1789, C replaced by G.
Protein change: p.Arg597Gly; replaces arginine 597 with glycine.
Molecular consequence: missense variant.
Genome position (GRCh38, 1-based): chr2:202,555,454, C>G. VCF-style: chr2-202555454-C-G. GRCh37 (hg19) VCF-style: chr2-203420177-C-G.
Other names: short protein forms R597G.
Identifiers: ClinVar variation 4214531 (VCV004214531.1).